The following is an entry in ClinVar:

ClinVar aggregate classification (germline): Uncertain significance (1 of 4 stars; one submission).

Conditions:
Progressive myoclonic epilepsy type 8. Identifiers: Orphanet 424027, MedGen C5190825, MONDO:0014545, OMIM 616230.

Submission:

Labcorp Genetics (formerly Invitae), Labcorp
Classification: Uncertain significance for Progressive myoclonic epilepsy type 8. Last evaluated: 2020-07-09. Review status: criteria provided, single submitter. Criteria: Invitae Variant Classification Sherloc (09022015). Collection method: clinical testing. Allele origin: germline.
Comment: This variant, c.102_103insTCG, results in the insertion of 1 amino acid(s) to the CERS1 protein (p.Ala34_Arg35insSer), but otherwise preserves the integrity of the reading frame. The frequency data for this variant in the population databases is considered unreliable, as metrics indicate insufficient coverage at this position in the ExAC database. This variant has not been reported in the literature in individuals with CERS1-related conditions. Experimental studies and prediction algorithms are not available or were not evaluated, and the functional significance of this variant is currently unknown. In summary, the available evidence is currently insufficient to determine the role of this variant in disease. Therefore, it has been classified as a Variant of Uncertain Significance.

NM_021267.5(CERS1):c.102_103insTCG (p.Ala34_Arg35insSer)

Genes: CERS1 (ceramide synthase 1; minus strand), GDF1 (growth differentiation factor 1; minus strand). Cytogenetic location: 19p13.11.
Variant type: Insertion.
Coding change: c.102_103insTCG on transcript NM_021267.5 (MANE Select); coding-DNA positions 102 to 103, TCG inserted.
Protein change: p.Ala34_Arg35insSer.
Molecular consequence: inframe insertion. On other transcripts: 5 prime UTR variant (4), intron variant (3).
Genome position: GRCh38 VCF-style: chr19-18895970-G-GCGA. GRCh37 (hg19) VCF-style: chr19-19006779-G-GCGA.
Other names: c.102_103insTCG, p.Ala34_Arg35insSer (NM_001387439.1, NM_001387440.1, NM_001387441.1 and 1 more transcripts); c.-427_-426insTCG (NM_001387444.1); c.-374_-373insTCG (NM_001387445.1); c.-801_-800insTCG (NM_001387438.1); c.-1221_-1220insTCG (NM_001492.6); c.-46+755_-46+756insCGT (NM_001387443.1); c.-46+590_-46+591insCGT (NM_001387442.1, NM_001290265.2).
Identifiers: ClinVar variation 1051292 (VCV001051292.9), dbSNP rs1210737907, ClinGen allele CA632627330.